The following is an entry in ClinVar:

NM_003839.4(TNFRSF11A):c.1753G>C (p.Gly585Arg)

Gene: TNFRSF11A (TNF receptor superfamily member 11a; plus strand). Cytogenetic location: 18q21.33.
Variant type: single nucleotide variant.
Coding change: c.1753G>C on transcript NM_003839.4 (MANE Select); coding-DNA position 1753, G replaced by C.
Protein change: p.Gly585Arg; replaces glycine 585 with arginine.
Molecular consequence: missense variant. On other transcripts: 3 prime UTR variant (1).
Genome position (GRCh38, 1-based): chr18:62,384,936, G>C. VCF-style: chr18-62384936-G-C. GRCh37 (hg19) VCF-style: chr18-60052169-G-C.
Other names: c.*177G>C (NM_001270949.2); c.916G>C, p.Gly306Arg (NM_001270950.2); c.802G>C, p.Gly268Arg (NM_001270951.2); c.1711G>C, p.Gly571Arg (NM_001278268.2); short protein forms G306R, G585R, G268R, G571R.
Identifiers: ClinVar variation 2996334 (VCV002996334.3), dbSNP rs781141387, ClinGen allele CA402620596.

ClinVar aggregate classification (germline): Uncertain significance (1 of 4 stars; one submission).

gnomAD v4.1: 1 of 1,543,334 alleles (0.000065%); highest among the groups gnomAD compares: Non-Finnish European, 0.000087%; no homozygotes.

Submission:

Labcorp Genetics (formerly Invitae), Labcorp
Classification: Uncertain significance. Last evaluated: 2023-10-10. Review status: criteria provided, single submitter. Criteria: Invitae Variant Classification Sherloc (09022015). Collection method: clinical testing. Allele origin: germline.
Comment: This sequence change replaces glycine, which is neutral and non-polar, with arginine, which is basic and polar, at codon 585 of the TNFRSF11A protein (p.Gly585Arg). This variant is not present in population databases (gnomAD no frequency). This variant has not been reported in the literature in individuals affected with TNFRSF11A-related conditions. An algorithm developed to predict the effect of missense changes on protein structure and function (PolyPhen-2) suggests that this variant is likely to be tolerated. In summary, the available evidence is currently insufficient to determine the role of this variant in disease. Therefore, it has been classified as a Variant of Uncertain Significance.